The following is an entry in ClinVar:

ClinVar aggregate classification (germline): Uncertain significance (1 of 4 stars; one submission).

Submission:

GeneDx
Classification: Uncertain significance. Last evaluated: 2025-03-13. Review status: criteria provided, single submitter. Criteria: GeneDx Variant Classification Process June 2021. Collection method: clinical testing. Allele origin: germline. Affected: yes.
Comment: Not observed at significant frequency in large population cohorts (gnomAD); In silico analysis supports that this missense variant has a deleterious effect on protein structure/function; Has not been previously published as pathogenic or benign to our knowledge

NM_004667.6(HERC2):c.3632G>T (p.Arg1211Leu)

Gene: HERC2 (HECT and RLD domain containing E3 ubiquitin protein ligase 2; minus strand). Cytogenetic location: 15q13.1.
Variant type: single nucleotide variant.
Coding change: c.3632G>T on transcript NM_004667.6 (MANE Select); coding-DNA position 3632, G replaced by T.
Protein change: p.Arg1211Leu; replaces arginine 1211 with leucine.
Molecular consequence: missense variant.
Genome position (GRCh38, 1-based): chr15:28,238,718, C>A on the plus strand (G>T on the coding strand, the complement: HERC2 is on the minus strand). VCF-style: chr15-28238718-C-A. GRCh37 (hg19) VCF-style: chr15-28483864-C-A.
Other names: short protein forms R1211L.
Identifiers: ClinVar variation 4086521 (VCV004086521.1).